The following is an entry in ClinVar:

NM_194454.3(KRIT1):c.1498C>T (p.Gln500Ter)

Gene: KRIT1 (KRIT1 ankyrin repeat containing; minus strand). Cytogenetic location: 7q21.2.
Variant type: single nucleotide variant.
Coding change: c.1498C>T on transcript NM_194454.3 (MANE Select); coding-DNA position 1498, C replaced by T.
Protein change: p.Gln500Ter; replaces glutamine 500 with a stop codon.
Molecular consequence: nonsense.
Genome position (GRCh38, 1-based): chr7:92,221,967, G>A on the plus strand (C>T on the coding strand, the complement: KRIT1 is on the minus strand). VCF-style: chr7-92221967-G-A. GRCh37 (hg19) VCF-style: chr7-91851281-G-A.
Other names: c.1354C>T, p.Gln452Ter (NM_001013406.2, NM_001350669.1, NM_001350670.1); c.784C>T, p.Gln262Ter (NM_001350671.1); c.1498C>T, p.Gln500Ter (NM_001350672.1, NM_001350673.1, NM_001350674.1 and 26 more transcripts); short protein forms Q452*, Q500*, Q262*.
Identifiers: ClinVar variation 2735046 (VCV002735046.3), dbSNP rs569733779, ClinGen allele CA4339094.

ClinVar aggregate classification (germline): Pathogenic (1 of 4 stars; one submission).

Conditions:
Cerebral cavernous malformation (CCM). Also called: CAVERNOUS ANGIOMA, FAMILIAL; CAVERNOUS ANGIOMATOUS MALFORMATIONS; CEREBRAL CAPILLARY MALFORMATIONS; Cavernous Hemangioma of Brain; Cerebral cavernous hemangioma (type); Cerebral cavernous malformations. Identifiers: Orphanet 221061, MedGen C2919945, MONDO:0000820, OMIM 116860, HP:0033522.

Allele frequency attached by ClinVar (database versions not stated): gnomAD exomes below 0.00001; ExAC 0.00001; gnomAD 0.00001; 1000 Genomes Project 30x 0.00016; 1000 Genomes Project 0.00020.
gnomAD v4.1: 2 of 1,613,522 alleles (0.00012%); highest among the groups gnomAD compares: South Asian, 0.0011%; no homozygotes.

Submission:

Labcorp Genetics (formerly Invitae), Labcorp
Classification: Pathogenic for Cerebral cavernous malformation. Last evaluated: 2024-01-25. Review status: criteria provided, single submitter. Criteria: Invitae Variant Classification Sherloc (09022015). Collection method: clinical testing. Allele origin: germline.
Comment: This sequence change creates a premature translational stop signal (p.Gln500*) in the KRIT1 gene. It is expected to result in an absent or disrupted protein product. Loss-of-function variants in KRIT1 are known to be pathogenic (PMID: 10508515, 11222804, 12404106, 24689081). This variant is present in population databases (rs569733779, gnomAD 0.003%). This premature translational stop signal has been observed in individual(s) with cerebral cavernous malformations (PMID: 23595507). For these reasons, this variant has been classified as Pathogenic.

Literature cited by the submitters: PubMed 10508515; PubMed 11222804; PubMed 12404106; PubMed 24689081; PubMed 23595507.